The following is an entry in ClinVar:

ClinVar aggregate classification (germline): Uncertain significance. Review status: criteria provided, multiple submitters, no conflicts (2 of 4 stars). 2 submissions from 2 submitters: Uncertain significance (2). Last evaluated 2024-06-11.

Conditions:
Inborn genetic diseases. Identifiers: MedGen C0950123, MeSH D030342.

Allele frequency attached by ClinVar (database versions not stated): gnomAD 0.00003; gnomAD exomes 0.00003; TOPMed 0.00004; ExAC 0.00007.
gnomAD v4.1: 48 of 1,614,072 alleles (0.003%); highest among the groups gnomAD compares: Admixed American, 0.01%; no homozygotes.

Submissions (2):

Ambry Genetics
Classification: Uncertain significance for Inborn genetic diseases. Last evaluated: 2024-06-11. Review status: criteria provided, single submitter. Criteria: Ambry Variant Classification Scheme 2023. Collection method: clinical testing. Allele origin: germline.

Labcorp Genetics (formerly Invitae), Labcorp
Classification: Uncertain significance. Last evaluated: 2023-03-03. Review status: criteria provided, single submitter. Criteria: Invitae Variant Classification Sherloc (09022015). Collection method: clinical testing. Allele origin: germline.
Comment: In summary, the available evidence is currently insufficient to determine the role of this variant in disease. Therefore, it has been classified as a Variant of Uncertain Significance. Advanced modeling of protein sequence and biophysical properties (such as structural, functional, and spatial information, amino acid conservation, physicochemical variation, residue mobility, and thermodynamic stability) performed at Invitae indicates that this missense variant is not expected to disrupt LHX4 protein function. This variant has not been reported in the literature in individuals affected with LHX4-related conditions. This variant is present in population databases (rs761944467, gnomAD 0.01%). This sequence change replaces glycine, which is neutral and non-polar, with arginine, which is basic and polar, at codon 283 of the LHX4 protein (p.Gly283Arg).

NM_033343.4(LHX4):c.847G>A (p.Gly283Arg)

Genes: ACBD6 (acyl-CoA binding domain containing 6; minus strand), LHX4 (LIM homeobox 4; plus strand), LHX4-AS1 (LHX4 antisense RNA 1; minus strand). Cytogenetic location: 1q25.2.
Variant type: single nucleotide variant.
Coding change: c.847G>A on transcript NM_033343.4 (MANE Select); coding-DNA position 847, G replaced by A.
Protein change: p.Gly283Arg; replaces glycine 283 with arginine.
Molecular consequence: missense variant.
Genome position (GRCh38, 1-based): chr1:180,274,253, G>A. VCF-style: chr1-180274253-G-A. GRCh37 (hg19) VCF-style: chr1-180243388-G-A.
Other names: short protein forms G283R.
Identifiers: ClinVar variation 2720639 (VCV002720639.4), dbSNP rs761944467, ClinGen allele CA1272034.